The following is an entry in ClinVar:

ClinVar aggregate classification (germline): Pathogenic/Likely pathogenic. Review status: criteria provided, multiple submitters, no conflicts (2 of 4 stars). 4 submissions from 4 submitters: Pathogenic (2); Likely pathogenic (2). Last evaluated 2024-05-31.

Conditions:
Hereditary pancreatitis (PCTT). Also called: PRSS1-Related Hereditary Pancreatitis; Hereditary chronic pancreatitis. Identifiers: Orphanet 676, MedGen C0238339, MONDO:0008185, OMIM 167800.

Allele frequency attached by ClinVar (database versions not stated): gnomAD 0.00001; gnomAD exomes 0.00001 and 0.00002; TOPMed 0.00001; ExAC 0.00002.

Submissions (4):

Ambry Genetics
Classification: Pathogenic for Hereditary pancreatitis. Last evaluated: 2024-05-31. Review status: criteria provided, single submitter. Criteria: Ambry Variant Classification Scheme 2023. Collection method: clinical testing. Allele origin: germline.
Comment: The p.R29* pathogenic mutation (also known as c.85C>T), located in coding exon 2 of the CTRC gene, results from a C to T substitution at nucleotide position 85. This changes the amino acid from an arginine to a stop codon within coding exon 2. This alteration is expected to result in loss of function by premature protein truncation or nonsense-mediated mRNA decay. As such, this alteration is interpreted as a disease-causing mutation.

Genomic Medicine Center of Excellence, King Faisal Specialist Hospital and Research Centre
Classification: Likely pathogenic for Hereditary pancreatitis. Last evaluated: 2024-03-26. Review status: criteria provided, single submitter. Criteria: ACMG Guidelines, 2015. Collection method: clinical testing. Allele origin: germline.

Revvity Omics, Revvity
Classification: Likely pathogenic. Last evaluated: 2021-03-12. Review status: criteria provided, single submitter. Criteria: ACMG Guidelines, 2015. Collection method: clinical testing. Allele origin: germline.

Labcorp Genetics (formerly Invitae), Labcorp
Classification: Pathogenic for Hereditary pancreatitis. Last evaluated: 2018-05-10. Review status: criteria provided, single submitter. Criteria: Invitae Variant Classification Sherloc (09022015). Collection method: clinical testing. Allele origin: germline.
Comment: This sequence change creates a premature translational stop signal (p.Arg29*) in the CTRC gene. It is expected to result in an absent or disrupted protein product. The frequency data for this variant in the population databases is considered unreliable, as metrics indicate poor data quality at this position in the ExAC database. This variant has not been reported in the literature in individuals with CTRC-related disease. Loss-of-function variants in CTRC are known to be pathogenic (PMID:¬†22942235). For these reasons, this variant has been classified as Pathogenic.

NM_007272.3(CTRC):c.85C>T (p.Arg29Ter)

Gene: CTRC (chymotrypsin C; plus strand). Cytogenetic location: 1p36.21.
Variant type: single nucleotide variant.
Coding change: c.85C>T on transcript NM_007272.3 (MANE Select); coding-DNA position 85, C replaced by T.
Protein change: p.Arg29Ter; replaces arginine 29 with a stop codon.
Molecular consequence: nonsense.
Genome position (GRCh38, 1-based): chr1:15,440,344, C>T. VCF-style: chr1-15440344-C-T. GRCh37 (hg19) VCF-style: chr1-15766840-C-T.
Other names: short protein forms R29*.
Identifiers: ClinVar variation 576351 (VCV000576351.9), dbSNP rs747905422, ClinGen allele CA613213.